The following is an entry in ClinVar:

ClinVar aggregate classification (germline): Conflicting classifications of pathogenicity. Review status: criteria provided, conflicting classifications (1 of 4 stars). 2 submissions from 2 submitters: Uncertain significance (1); Likely benign (1). Last evaluated 2025-04-29.

Conditions:
Hereditary cancer-predisposing syndrome. Also called: Hereditary neoplastic syndrome; Hereditary Cancer Syndrome; Neoplastic Syndromes, Hereditary; Tumor predisposition. Identifiers: Orphanet 140162, MedGen C0027672, MeSH D009386, MONDO:0015356.

Allele frequency attached by ClinVar (database versions not stated): TOPMed below 0.00001; gnomAD 0.00001.

Submissions (2):

Ambry Genetics
Classification: Likely benign for Hereditary cancer-predisposing syndrome. Last evaluated: 2025-04-29. Review status: criteria provided, single submitter. Criteria: Ambry Variant Classification Scheme 2023. Collection method: clinical testing. Allele origin: germline.

Color Diagnostics, LLC DBA Color Health
Classification: Uncertain significance for Hereditary cancer-predisposing syndrome. Last evaluated: 2023-01-24. Review status: criteria provided, single submitter. Criteria: ACMG Guidelines, 2015. Collection method: clinical testing. Allele origin: germline.
Comment: This missense variant replaces serine with proline at codon 2536 of the BRCA2 protein. Computational prediction is inconclusive regarding the impact of this variant on protein structure and function (internally defined REVEL score threshold 0.5 < inconclusive < 0.7, PMID: 27666373). To our knowledge, functional studies have not been reported for this variant. This variant has been reported in a homozygous state in individuals with a personal or family history of breast and/or ovarian cancer (PMID: 23635950). This variant has not been identified in the general population by the Genome Aggregation Database (gnomAD). The available evidence is insufficient to determine the role of this variant in disease conclusively. Therefore, this variant is classified as a Variant of Uncertain Significance.

Literature cited by the submitters: PubMed 23635950 (cited by Color Diagnostics, LLC DBA Color Health).

NM_000059.4(BRCA2):c.7606T>C (p.Ser2536Pro)

Gene: BRCA2 (BRCA2 DNA repair associated; plus strand). Cytogenetic location: 13q13.1.
Variant type: single nucleotide variant.
Coding change: c.7606T>C on transcript NM_000059.4 (MANE Select); coding-DNA position 7606, T replaced by C.
Protein change: p.Ser2536Pro; replaces serine 2536 with proline.
Molecular consequence: missense variant.
Genome position (GRCh38, 1-based): chr13:32,356,598, T>C. VCF-style: chr13-32356598-T-C. GRCh37 (hg19) VCF-style: chr13-32930735-T-C.
Other names: short protein forms S2536P.
Identifiers: ClinVar variation 229789 (VCV000229789.9), dbSNP rs169548, ClinGen allele CA10579746.